The following is an entry in ClinVar:

ClinVar aggregate classification (germline): Uncertain significance (1 of 4 stars; one submission).

Conditions:
Severe combined immunodeficiency due to DNA-PKcs deficiency. Also called: IMMUNODEFICIENCY 26 WITH NEUROLOGIC ABNORMALITIES; Immunodeficiency 26 with or without neurologic abnormalities. Identifiers: Orphanet 317425, MedGen C4014833, MONDO:0014423, OMIM 615966.

Submission:

Labcorp Genetics (formerly Invitae), Labcorp
Classification: Uncertain significance for Severe combined immunodeficiency due to DNA-PKcs deficiency. Last evaluated: 2021-03-24. Review status: criteria provided, single submitter. Criteria: Invitae Variant Classification Sherloc (09022015). Collection method: clinical testing. Allele origin: germline.
Comment: In summary, the available evidence is currently insufficient to determine the role of this variant in disease. Therefore, it has been classified as a Variant of Uncertain Significance. Experimental studies and prediction algorithms are not available or were not evaluated, and the functional significance of this variant is currently unknown. This variant has not been reported in the literature in individuals with PRKDC-related conditions. This variant is not present in population databases (ExAC no frequency). This sequence change replaces leucine with glutamine at codon 338 of the PRKDC protein (p.Leu338Gln). The leucine residue is highly conserved and there is a moderate physicochemical difference between leucine and glutamine.

NM_006904.7(PRKDC):c.1013T>A (p.Leu338Gln)

Gene: PRKDC (protein kinase, DNA-activated, catalytic subunit; minus strand). Cytogenetic location: 8q11.21.
Variant type: single nucleotide variant.
Coding change: c.1013T>A on transcript NM_006904.7 (MANE Select); coding-DNA position 1013, T replaced by A.
Protein change: p.Leu338Gln; replaces leucine 338 with glutamine.
Molecular consequence: missense variant.
Genome position (GRCh38, 1-based): chr8:47,939,651, A>T on the plus strand (T>A on the coding strand, the complement: PRKDC is on the minus strand). VCF-style: chr8-47939651-A-T. GRCh37 (hg19) VCF-style: chr8-48852211-A-T.
Other names: c.1013T>A, p.Leu338Gln (NM_001081640.2); short protein forms L338Q.
Identifiers: ClinVar variation 1518916 (VCV001518916.6), dbSNP rs2154503961, ClinGen allele CA371166770.